The following is an entry in ClinVar:

NM_004656.4(BAP1):c.122+1G>A

Gene: BAP1 (BRCA1 associated deubiquitinase 1; minus strand). Cytogenetic location: 3p21.1.
Variant type: single nucleotide variant.
Coding change: c.122+1G>A on transcript NM_004656.4 (MANE Select); the canonical splice donor site of the intron after coding-DNA position 122, G replaced by A.
Molecular consequence: splice donor variant.
Genome position (GRCh38, 1-based): chr3:52,409,553, C>T on the plus strand (G>A on the coding strand, the complement: BAP1 is on the minus strand). VCF-style: chr3-52409553-C-T. GRCh37 (hg19) VCF-style: chr3-52443569-C-T.
Other names: c.122+1G>A (NM_001410772.1).
Identifiers: ClinVar variation 644428 (VCV000644428.13), dbSNP rs1578230334, ClinGen allele CA353114464.

ClinVar aggregate classification (germline): Pathogenic. Review status: criteria provided, multiple submitters, no conflicts (2 of 4 stars). 2 submissions from 2 submitters: Pathogenic (2). Last evaluated 2026-02-18.

Conditions:
Hereditary cancer-predisposing syndrome. Also called: Neoplastic Syndromes, Hereditary; Hereditary neoplastic syndrome; Tumor predisposition; Hereditary Cancer Syndrome. Identifiers: Orphanet 140162, MedGen C0027672, MeSH D009386, MONDO:0015356.
BAP1-related tumor predisposition syndrome (TPDS1). Also called: COMMON Syndrome; BAP1 tumor predisposition syndrome; Tumor susceptibility linked to germline BAP1 mutations; TUMOR PREDISPOSITION SYNDROME 1. Identifiers: Orphanet 289539, MedGen C3280492, MONDO:0013692, OMIM 614327.

Submissions (2):

Ambry Genetics
Classification: Pathogenic for Hereditary cancer-predisposing syndrome. Last evaluated: 2026-02-18. Review status: criteria provided, single submitter. Criteria: Ambry Variant Classification Scheme 2023. Collection method: clinical testing. Allele origin: germline.
Comment: The c.122+1G>A intronic pathogenic mutation results from a G to A substitution one nucleotide(s) after coding exon 3 of the BAP1 gene. Several close-match alterations at this donor site have been identified in individuals meeting diagnostic criteria for BAP1-related Tumor Predisposition Syndrome and at least one has been validated to cause aberrant skipping of exon 3 (Rao R et al. Retin Cases Brief Rep;12:1-4; Ewens KG et al. BMC Cancer, 2018 Nov;18:1172; Potjer TP et al. Int. J. Cancer, 2019 05;144:2453-2464; Chau C et al. Cancers (Basel), 2019 Aug;11:). This variant is considered to be rare based on population cohorts in the Genome Aggregation Database (gnomAD). This nucleotide position is highly conserved in available vertebrate species. In silico splice site analysis predicts that this alteration will weaken the native splice donor site and may result in the creation or strengthening of a novel splice donor site. Variants that disrupt the canonical splice site are expected to cause aberrant splicing, resulting in an abnormal protein or a transcript that is subject to nonsense-mediated mRNA decay. RNA studies have demonstrated that this variant results in abnormal splicing in the set of samples tested (Ambry internal data). As such, this variant is classified as a disease-causing mutation.

Labcorp Genetics (formerly Invitae), Labcorp
Classification: Pathogenic for BAP1-related tumor predisposition syndrome. Last evaluated: 2025-03-17. Review status: criteria provided, single submitter. Criteria: Invitae Variant Classification Sherloc (09022015). Collection method: clinical testing. Allele origin: germline.
Comment: This sequence change affects a donor splice site in intron 3 of the BAP1 gene. It is expected to disrupt RNA splicing. Variants that disrupt the donor or acceptor splice site typically lead to a loss of protein function (PMID: 16199547), and loss-of-function variants in BAP1 are known to be pathogenic (PMID: 21874000, 23684012). This variant is not present in population databases (gnomAD no frequency). Disruption of this splice site has been observed in individual(s) with mesothelioma, ocular melanoma, melanoma, and clear cell renal cancer (PMID: 30414346, 30477459, 30975761; internal data). It has also been observed to segregate with disease in related individuals. ClinVar contains an entry for this variant (Variation ID: 644428). Algorithms developed to predict the effect of sequence changes on RNA splicing suggest that this variant may disrupt the consensus splice site. For these reasons, this variant has been classified as Pathogenic.

Literature cited by the submitters: PubMed 27749792 (cited by Ambry Genetics); PubMed 30414346 (cited by Ambry Genetics and Labcorp Genetics (formerly Invitae), Labcorp); PubMed 30477459 (cited by Ambry Genetics and Labcorp Genetics (formerly Invitae), Labcorp); PubMed 31382694 (cited by Ambry Genetics); PubMed 16199547 (cited by Labcorp Genetics (formerly Invitae), Labcorp); PubMed 21874000 (cited by Labcorp Genetics (formerly Invitae), Labcorp); PubMed 23684012 (cited by Labcorp Genetics (formerly Invitae), Labcorp); PubMed 30975761 (cited by Labcorp Genetics (formerly Invitae), Labcorp).